The following is an entry in ClinVar:

NM_153689.6(C2orf69):c.238G>A (p.Gly80Arg)

Gene: C2orf69 (chromosome 2 open reading frame 69; plus strand). Cytogenetic location: 2q33.1.
Variant type: single nucleotide variant.
Coding change: c.238G>A on transcript NM_153689.6 (MANE Select); coding-DNA position 238, G replaced by A.
Protein change: p.Gly80Arg; replaces glycine 80 with arginine.
Molecular consequence: missense variant.
Genome position (GRCh38, 1-based): chr2:199,911,676, G>A. VCF-style: chr2-199911676-G-A. GRCh37 (hg19) VCF-style: chr2-200776399-G-A.
Other names: short protein forms G80R.
Identifiers: ClinVar variation 4084119 (VCV004084119.8).

ClinVar aggregate classification (germline): Uncertain significance (1 of 4 stars; one submission).

Submission:

CeGaT Center for Human Genetics Tuebingen
Classification: Uncertain significance. Last evaluated: 2025-08-01. Review status: criteria provided, single submitter. Criteria: CeGaT Center For Human Genetics Tuebingen Variant Classification Criteria Version 2. Collection method: clinical testing. Allele origin: germline. Affected: yes. Observed: 1 variant allele.
Comment: C2orf69: PM2, BP4